The following is an entry in ClinVar:

ClinVar aggregate classification (germline): Uncertain significance. Review status: criteria provided, multiple submitters, no conflicts (2 of 4 stars). 2 submissions from 2 submitters: Uncertain significance (2). Last evaluated 2025-01-07.

Allele frequency attached by ClinVar (database versions not stated): TOPMed below 0.00001; gnomAD exomes 0.00001.
gnomAD v4.1: 14 of 1,212,048 alleles (0.0012%); highest among the groups gnomAD compares: Non-Finnish European, 0.0016%; no homozygotes.

Submissions (2):

Labcorp Genetics (formerly Invitae), Labcorp
Classification: Uncertain significance. Last evaluated: 2025-01-07. Review status: criteria provided, single submitter. Criteria: Invitae Variant Classification Sherloc (09022015). Collection method: clinical testing. Allele origin: germline.
Comment: This sequence change replaces lysine, which is basic and polar, with arginine, which is basic and polar, at codon 44 of the TLR7 protein (p.Lys44Arg). This variant is present in population databases (no rsID available, gnomAD 0.003%). This variant has not been reported in the literature in individuals affected with TLR7-related conditions. ClinVar contains an entry for this variant (Variation ID: 2895909). An algorithm developed to predict the effect of missense changes on protein structure and function (PolyPhen-2) suggests that this variant is likely to be tolerated. In summary, the available evidence is currently insufficient to determine the role of this variant in disease. Therefore, it has been classified as a Variant of Uncertain Significance.

Ambry Genetics
Classification: Uncertain significance. Last evaluated: 2024-04-06. Review status: criteria provided, single submitter. Criteria: Ambry Variant Classification Scheme 2023. Collection method: clinical testing. Allele origin: germline.

NM_016562.4(TLR7):c.131A>G (p.Lys44Arg)

Gene: TLR7 (toll like receptor 7; plus strand). Cytogenetic location: Xp22.2.
Variant type: single nucleotide variant.
Coding change: c.131A>G on transcript NM_016562.4 (MANE Select); coding-DNA position 131, A replaced by G.
Protein change: p.Lys44Arg; replaces lysine 44 with arginine.
Molecular consequence: missense variant.
Genome position (GRCh38, 1-based): chrX:12,885,639, A>G. VCF-style: chrX-12885639-A-G. GRCh37 (hg19) VCF-style: chrX-12903758-A-G.
Other names: c.131A>G (NM_016562.3); short protein forms K44R.
Identifiers: ClinVar variation 2895909 (VCV002895909.4), dbSNP rs1306830975, ClinGen allele CA412404133.